The following is an entry in ClinVar:

ClinVar aggregate classification (germline): Pathogenic (1 of 4 stars; one submission).

Allele frequency attached by ClinVar (database versions not stated): gnomAD exomes below 0.00001; gnomAD 0.00001; TOPMed 0.00001.

Submission:

Labcorp Genetics (formerly Invitae), Labcorp
Classification: Pathogenic. Last evaluated: 2022-11-12. Review status: criteria provided, single submitter. Criteria: Invitae Variant Classification Sherloc (09022015). Collection method: clinical testing. Allele origin: germline.
Comment: For these reasons, this variant has been classified as Pathogenic. This variant has not been reported in the literature in individuals affected with CYP11B2-related conditions. This variant is not present in population databases (gnomAD no frequency). This sequence change creates a premature translational stop signal (p.Arg282Profs*14) in the CYP11B2 gene. It is expected to result in an absent or disrupted protein product. Loss-of-function variants in CYP11B2 are known to be pathogenic (PMID: 20494601, 22801770, 26936515).

Literature cited by the submitters: PubMed 20494601; PubMed 22801770; PubMed 26936515.

NM_000498.3(CYP11B2):c.845del (p.Arg282fs)

Genes: CYP11B2 (cytochrome P450 family 11 subfamily B member 2; minus strand), LOC106799834 (CYP11B2 recombination region; plus strand). Cytogenetic location: 8q24.3.
Variant type: Deletion.
Coding change: c.845del on transcript NM_000498.3 (MANE Select); coding-DNA position 845, one base deleted (G; older notation c.845delG).
Protein change: p.Arg282fs; shifts the reading frame from arginine 282.
Molecular consequence: frameshift variant.
Genome position (GRCh38, 1-based): chr8:142,914,373, C deleted on the plus strand (G on the coding strand, the reverse complement: CYP11B2 is on the minus strand). VCF-style (leftmost placement, unchanged base first): chr8-142914372-GC-G. GRCh37 (hg19) VCF-style: chr8-143995788-GC-G.
Other names: short protein forms R282fs.
Identifiers: ClinVar variation 2031382 (VCV002031382.4), dbSNP rs1409902979, ClinGen allele CA848697496.